The following is an entry in ClinVar:

NM_000194.3(HPRT1):c.212del (p.Gly71fs)

Gene: HPRT1 (hypoxanthine phosphoribosyltransferase 1; plus strand). Cytogenetic location: Xq26.2.
Variant type: Deletion.
Coding change: c.212del on transcript NM_000194.3 (MANE Select); coding-DNA position 212, one base deleted (G; older notation c.212delG).
Protein change: p.Gly71fs; shifts the reading frame from glycine 71.
Molecular consequence: frameshift variant.
Genome position (GRCh38, 1-based): chrX:134,475,258, G deleted; the last of 6 consecutive G bases (chrX:134,475,253-134,475,258); deleting any one gives the same sequence. VCF-style (leftmost placement, unchanged base first): chrX-134475252-AG-A. GRCh37 (hg19) VCF-style: chrX-133609282-AG-A.
Other names: short protein forms G71fs.
Identifiers: ClinVar variation 2138720 (VCV002138720.4), dbSNP rs786200980, ClinGen allele CA2580101550.

ClinVar aggregate classification (germline): Pathogenic (1 of 4 stars; one submission).

Conditions:
Partial hypoxanthine-guanine phosphoribosyltransferase deficiency. Also called: HPRT DEFICIENCY, PARTIAL; HYPOXANTHINE GUANINE PHOSPHORIBOSYLTRANSFERASE 1 DEFICIENCY, PARTIAL; GOUT, HPRT-RELATED; Kelley-Seegmiller Syndrome; HPRT1 DEFICIENCY, PARTIAL. Identifiers: Orphanet 79233, MedGen C0268117, MONDO:0010299, OMIM 300323.
Lesch-Nyhan syndrome (LNS). Also called: HPRT DEFICIENCY, COMPLETE; Lesch-Nyhan Disease (LND). Identifiers: Orphanet 510, MedGen C0023374, MONDO:0010298, OMIM 300322.

Submission:

Labcorp Genetics (formerly Invitae), Labcorp
Classification: Pathogenic for Lesch-Nyhan syndrome; Partial hypoxanthine-guanine phosphoribosyltransferase deficiency. Last evaluated: 2022-08-12. Review status: criteria provided, single submitter. Criteria: Invitae Variant Classification Sherloc (09022015). Collection method: clinical testing. Allele origin: germline.
Comment: This premature translational stop signal has been observed in individual(s) with Lesch-Nyhan disease (PMID: 23975452). For these reasons, this variant has been classified as Pathogenic. This variant is not present in population databases (gnomAD no frequency). This sequence change creates a premature translational stop signal (p.Gly71Alafs*15) in the HPRT1 gene. It is expected to result in an absent or disrupted protein product. Loss-of-function variants in HPRT1 are known to be pathogenic (PMID: 15571220, 17027311, 22157001).

Literature cited by the submitters: PubMed 23975452; PubMed 15571220; PubMed 17027311; PubMed 22157001.